The following is an entry in ClinVar:

NM_015512.5(DNAH1):c.2951del (p.Lys984fs)

Gene: DNAH1 (dynein axonemal heavy chain 1; plus strand). Cytogenetic location: 3p21.1.
Variant type: Deletion.
Coding change: c.2951del on transcript NM_015512.5 (MANE Select); coding-DNA position 2951, one base deleted (A; older notation c.2951delA).
Protein change: p.Lys984fs; shifts the reading frame from lysine 984.
Molecular consequence: frameshift variant.
Genome position (GRCh38, 1-based): chr3:52,352,631, A deleted; the last of 2 consecutive A bases (chr3:52,352,630-52,352,631); deleting either gives the same sequence. VCF-style (leftmost placement, unchanged base first): chr3-52352629-GA-G. GRCh37 (hg19) VCF-style: chr3-52386645-GA-G.
Other names: short protein forms K984fs.
Identifiers: ClinVar variation 667021 (VCV000667021.4), dbSNP rs753307279, ClinGen allele CA2433440.

ClinVar aggregate classification (germline): Likely pathogenic (1 of 4 stars; one submission).

Conditions:
Non-syndromic male infertility due to sperm motility disorder. Identifiers: Orphanet 276234, MedGen C0403811, MONDO:0017173.

Submission:

Laboratory for Molecular Medicine, Mass General Brigham Personalized Medicine
Classification: Likely pathogenic for Non-syndromic male infertility due to sperm motility disorder. Last evaluated: 2018-10-02. Review status: criteria provided, single submitter. Criteria: LMM Criteria. Collection method: clinical testing. Allele origin: germline. Observed: 1 variant allele.
Comment: The p.Lys984SerfsX3 variant in DNAH1 has not been previously reported in individ uals with spermatogenic failure but has been identified in 3/246070 of chromosom es by gnomAD. This variant is predicted to ca use a frameshift, which alters the protein?s amino acid sequence beginning at po sition 984 and leads to a premature termination codon 3 amino acids downstream. This alteration is then predicted to lead to a truncated or absent protein. Bial lelic loss of function variants have been reported in several infertile males wi th spermatogenic failure. In summary, although additional studies are required t o fully establish its clinical significance, the p.Lys984SerfsX3 variant is like ly pathogenic. ACMG/AMP criteria applied: PVS1, PM2.